The following is an entry in ClinVar:

NM_019109.5(ALG1):c.815G>A (p.Arg272His)

Gene: ALG1 (ALG1 chitobiosyldiphosphodolichol beta-mannosyltransferase; plus strand). Cytogenetic location: 16p13.3.
Variant type: single nucleotide variant.
Coding change: c.815G>A on transcript NM_019109.5 (MANE Select); coding-DNA position 815, G replaced by A.
Protein change: p.Arg272His; replaces arginine 272 with histidine.
Molecular consequence: missense variant.
Genome position (GRCh38, 1-based): chr16:5,078,831, G>A. VCF-style: chr16-5078831-G-A. GRCh37 (hg19) VCF-style: chr16-5128832-G-A.
Other names: c.482G>A, p.Arg161His (NM_001330504.2); c.815G>A (NM_019109.4); short protein forms R272H, R161H.
Identifiers: ClinVar variation 1442856 (VCV001442856.7), dbSNP rs560302928, ClinGen allele CA7890029.

ClinVar aggregate classification (germline): Conflicting classifications of pathogenicity. Review status: criteria provided, conflicting classifications (1 of 4 stars). 3 submissions from 3 submitters: Uncertain significance (2); Likely benign (1). Last evaluated 2022-08-13.

Conditions:
ALG1-congenital disorder of glycosylation. Also called: CONGENITAL DISORDER OF GLYCOSYLATION, TYPE Ik; CDG Ik; ALG1-CDG. Identifiers: Orphanet 79327, MedGen C2931005, MONDO:0012052, OMIM 608540.
Inborn genetic diseases. Identifiers: MedGen C0950123, MeSH D030342.

Allele frequency attached by ClinVar (database versions not stated): gnomAD exomes 0.00001; ExAC 0.00002; gnomAD 0.00009; 1000 Genomes Project 30x 0.00016; 1000 Genomes Project 0.00020; TOPMed 0.00023.
gnomAD v4.1: 30 of 1,612,168 alleles (0.0019%); highest among the groups gnomAD compares: Admixed American, 0.042%; no homozygotes.

Submissions (3):

Labcorp Genetics (formerly Invitae), Labcorp
Classification: Uncertain significance for ALG1-congenital disorder of glycosylation. Last evaluated: 2022-08-13. Review status: criteria provided, single submitter. Criteria: Invitae Variant Classification Sherloc (09022015). Collection method: clinical testing. Allele origin: germline.
Comment: This sequence change replaces arginine, which is basic and polar, with histidine, which is basic and polar, at codon 272 of the ALG1 protein (p.Arg272His). This variant is present in population databases (rs560302928, gnomAD 0.005%). This variant has not been reported in the literature in individuals affected with ALG1-related conditions. ClinVar contains an entry for this variant (Variation ID: 1442856). Advanced modeling of protein sequence and biophysical properties (such as structural, functional, and spatial information, amino acid conservation, physicochemical variation, residue mobility, and thermodynamic stability) performed at Invitae indicates that this missense variant is not expected to disrupt ALG1 protein function. In summary, the available evidence is currently insufficient to determine the role of this variant in disease. Therefore, it has been classified as a Variant of Uncertain Significance.

Fulgent Genetics
Classification: Uncertain significance for ALG1-congenital disorder of glycosylation. Last evaluated: 2022-02-08. Review status: criteria provided, single submitter. Criteria: ACMG Guidelines, 2015. Collection method: clinical testing. Allele origin: unknown.

Ambry Genetics
Classification: Likely benign for Inborn genetic diseases. Last evaluated: 2021-07-14. Review status: criteria provided, single submitter. Criteria: Ambry Variant Classification Scheme 2023. Collection method: clinical testing. Allele origin: germline.